The following is an entry in ClinVar:

ClinVar aggregate classification (germline): Likely benign (1 of 4 stars; one submission).

Allele frequency attached by ClinVar (database versions not stated): gnomAD exomes below 0.00001; ExAC 0.00002.

Submission:

CeGaT Center for Human Genetics Tuebingen
Classification: Likely benign. Last evaluated: 2024-02-01. Review status: criteria provided, single submitter. Criteria: CeGaT Center For Human Genetics Tuebingen Variant Classification Criteria Version 2. Collection method: clinical testing. Allele origin: germline. Affected: yes. Observed: 1 variant allele.
Comment: ZNF343: BP4, BP7

NM_024325.6(ZNF343):c.1611T>C (p.Ile537=)

Gene: ZNF343 (zinc finger protein 343; minus strand). Cytogenetic location: 20p13.
Variant type: single nucleotide variant.
Coding change: c.1611T>C on transcript NM_024325.6 (MANE Select); coding-DNA position 1611, T replaced by C.
Protein change: p.Ile537=; no amino-acid change (isoleucine 537 retained).
Molecular consequence: synonymous variant.
Genome position (GRCh38, 1-based): chr20:2,483,350, A>G on the plus strand (T>C on the coding strand, the complement: ZNF343 is on the minus strand). VCF-style: chr20-2483350-A-G. GRCh37 (hg19) VCF-style: chr20-2463996-A-G.
Other names: c.1611T>C, p.Ile537= (NM_001282495.1, NM_001282496.2, NM_001321800.2); c.1734T>C, p.Ile578= (NM_001282497.2, NM_001321801.2); c.1341T>C, p.Ile447= (NM_001282498.2); c.1731T>C, p.Ile577= (NM_001321802.2, NM_001321803.2); c.1608T>C, p.Ile536= (NM_001321805.2).
Identifiers: ClinVar variation 3026083 (VCV003026083.22), dbSNP rs763443890, ClinGen allele CA9732652.